The following is an entry in ClinVar:

ClinVar aggregate classification (germline): Uncertain significance (1 of 4 stars; one submission).

gnomAD v4.1: 1 of 1,611,210 alleles (0.000062%); highest among the groups gnomAD compares: African/African-American, 0.0013%; no homozygotes.

Submission:

GeneDx
Classification: Uncertain significance. Last evaluated: 2024-12-26. Review status: criteria provided, single submitter. Criteria: GeneDx Variant Classification Process June 2021. Collection method: clinical testing. Allele origin: germline. Affected: yes.
Comment: Not observed at significant frequency in large population cohorts (gnomAD); In silico analysis supports that this missense variant has a deleterious effect on protein structure/function; Has not been previously published as pathogenic or benign to our knowledge

NM_001256012.3(MYH10):c.1294G>C (p.Glu432Gln)

Gene: MYH10 (myosin heavy chain 10; minus strand). Cytogenetic location: 17p13.1.
Variant type: single nucleotide variant.
Coding change: c.1294G>C on transcript NM_001256012.3 (MANE Select); coding-DNA position 1294, G replaced by C.
Protein change: p.Glu432Gln; replaces glutamic acid 432 with glutamine.
Molecular consequence: missense variant.
Genome position (GRCh38, 1-based): chr17:8,545,585, C>G on the plus strand (G>C on the coding strand, the complement: MYH10 is on the minus strand). VCF-style: chr17-8545585-C-G. GRCh37 (hg19) VCF-style: chr17-8448903-C-G.
Other names: c.1291G>C, p.Glu431Gln (NM_001256095.2); c.1294G>C, p.Glu432Gln (NM_001375266.1); c.1264G>C, p.Glu422Gln (NM_005964.5); short protein forms E431Q, E422Q, E432Q.
Identifiers: ClinVar variation 4055841 (VCV004055841.1).